The following is an entry in ClinVar:

ClinVar aggregate classification (germline): Conflicting classifications of pathogenicity. Review status: criteria provided, conflicting classifications (1 of 4 stars). 2 submissions from 2 submitters: Uncertain significance (1); Likely benign (1). Last evaluated 2026-06-01.

Conditions:
Hereditary diffuse gastric adenocarcinoma (HDGC). Also called: DIFFUSE GASTRIC AND LOBULAR BREAST CANCER SYNDROME. Identifiers: Orphanet 26106, MedGen C1708349, MONDO:0007648, OMIM 137215.
Hereditary cancer-predisposing syndrome. Also called: Tumor predisposition; Neoplastic Syndromes, Hereditary; Hereditary Cancer Syndrome; Hereditary neoplastic syndrome. Identifiers: Orphanet 140162, MedGen C0027672, MeSH D009386, MONDO:0015356.

Submissions (2):

Ambry Genetics
Classification: Likely benign for Hereditary cancer-predisposing syndrome. Last evaluated: 2026-06-01. Review status: criteria provided, single submitter. Criteria: Ambry Variant Classification Scheme 2023. Collection method: clinical testing. Allele origin: germline.

Labcorp Genetics (formerly Invitae), Labcorp
Classification: Uncertain significance for Hereditary diffuse gastric adenocarcinoma. Last evaluated: 2023-09-12. Review status: criteria provided, single submitter. Criteria: Invitae Variant Classification Sherloc (09022015). Collection method: clinical testing. Allele origin: germline.
Comment: This sequence change replaces asparagine, which is neutral and polar, with serine, which is neutral and polar, at codon 672 of the CDH1 protein (p.Asn672Ser). This variant is not present in population databases (gnomAD no frequency). This variant has not been reported in the literature in individuals affected with CDH1-related conditions. ClinVar contains an entry for this variant (Variation ID: 1475903). An algorithm developed to predict the effect of missense changes on protein structure and function (PolyPhen-2) suggests that this variant is likely to be tolerated. In summary, the available evidence is currently insufficient to determine the role of this variant in disease. Therefore, it has been classified as a Variant of Uncertain Significance.

NM_004360.5(CDH1):c.2015A>G (p.Asn672Ser)

Gene: CDH1 (cadherin 1; plus strand). Cytogenetic location: 16q22.1.
Variant type: single nucleotide variant.
Coding change: c.2015A>G on transcript NM_004360.5 (MANE Select); coding-DNA position 2015, A replaced by G.
Protein change: p.Asn672Ser; replaces asparagine 672 with serine.
Molecular consequence: missense variant.
Genome position (GRCh38, 1-based): chr16:68,823,477, A>G. VCF-style: chr16-68823477-A-G. GRCh37 (hg19) VCF-style: chr16-68857380-A-G.
Other names: c.1832A>G, p.Asn611Ser (NM_001317184.2); c.467A>G, p.Asn156Ser (NM_001317185.2); c.50A>G, p.Asn17Ser (NM_001317186.2); c.2015A>G (NM_004360.3); short protein forms N156S, N672S, N17S, N611S.
Identifiers: ClinVar variation 1475903 (VCV001475903.8), dbSNP rs2152139391, ClinGen allele CA396467672.